The following is an entry in ClinVar:

ClinVar aggregate classification (germline): Uncertain significance (1 of 4 stars; one submission).

Conditions:
Inborn genetic diseases. Identifiers: MedGen C0950123, MeSH D030342.

Allele frequency attached by ClinVar (database versions not stated): TOPMed 0.00002.
gnomAD v4.1: 11 of 1,613,694 alleles (0.00068%); highest among the groups gnomAD compares: African/African-American, 0.0027%; no homozygotes.

Submission:

Ambry Genetics
Classification: Uncertain significance for Inborn genetic diseases. Last evaluated: 2020-11-12. Review status: criteria provided, single submitter. Criteria: Ambry Variant Classification Scheme 2023. Collection method: clinical testing. Allele origin: germline.
Comment: The c.628C>T (p.R210W) alteration is located in exon 7 (coding exon 6) of the NDUFS8 gene. This alteration results from a C to T substitution at nucleotide position 628, causing the arginine (R) at amino acid position 210 to be replaced by a tryptophan (W). Based on data from the Genome Aggregation Database (gnomAD) database, the NDUFS8 c.628C>T alteration was observed in 0.0004% (1/250,478) of total alleles studied. This amino acid position is highly conserved in available vertebrate species. The p.R210W alteration is predicted to be deleterious by in silico analysis. Based on insufficient or conflicting evidence, the clinical significance of this alteration remains unclear.

NM_002496.4(NDUFS8):c.628C>T (p.Arg210Trp)

Gene: NDUFS8 (NADH:ubiquinone oxidoreductase core subunit S8; plus strand). Cytogenetic location: 11q13.2.
Variant type: single nucleotide variant.
Coding change: c.628C>T on transcript NM_002496.4 (MANE Select); coding-DNA position 628, C replaced by T.
Protein change: p.Arg210Trp; replaces arginine 210 with tryptophan.
Molecular consequence: missense variant.
Genome position (GRCh38, 1-based): chr11:68,036,588, C>T. VCF-style: chr11-68036588-C-T. GRCh37 (hg19) VCF-style: chr11-67804055-C-T.
Other names: short protein forms R210W.
Identifiers: ClinVar variation 2402276 (VCV002402276.2), dbSNP rs999803670, ClinGen allele CA224195292.
Genomic context (GRCh38, chr11:68,036,588, plus strand): 5'-AACAACGGGGACAAGTGGGAGGCCGAGATCGCCGCCAACATCCAGGCTGACTACTTGTAT[C>T]GGTGACGCCCCACCGGCCCGCAGCCCCTGCTGCCCAATAAAACCACTCCGACCCCACGGC-3'
Protein context (NP_002487.1, residues 200-210): AANIQADYLY[Arg210Trp]